The following is an entry in ClinVar:

ClinVar aggregate classification (germline): Likely benign. Review status: criteria provided, multiple submitters, no conflicts (2 of 4 stars). 2 submissions from 2 submitters: Likely benign (2). Last evaluated 2018-06-16.

Allele frequency attached by ClinVar (database versions not stated): gnomAD 0.01146; TOPMed 0.01216; 1000 Genomes Project 0.02119; 1000 Genomes Project 30x 0.02164.
gnomAD v4.1: 19,835 of 1,045,129 alleles (1.9%); highest among the groups gnomAD compares: South Asian, 8.6%; 167 homozygotes.

Submissions (2):

GeneDx
Classification: Likely benign. Last evaluated: 2018-06-16. Review status: criteria provided, single submitter. Criteria: GeneDx Variant Classification (06012015). Collection method: clinical testing. Allele origin: germline. Affected: yes.
Comment: This variant is considered likely benign or benign based on one or more of the following criteria: it is a conservative change, it occurs at a poorly conserved position in the protein, it is predicted to be benign by multiple in silico algorithms, and/or has population frequency not consistent with disease.

Breakthrough Genomics
Classification: Likely benign. Review status: criteria provided, single submitter. Criteria: ACMG Guidelines, 2015. Collection method: not provided. Allele origin: germline. Inheritance: X-linked inheritance. Affected: yes.

NM_004006.3(DMD):c.4675-53G>T

Gene: DMD (dystrophin; minus strand). Cytogenetic location: Xp21.1.
Variant type: single nucleotide variant.
Coding change: c.4675-53G>T on transcript NM_004006.3 (MANE Select); 53 bases into the intron before coding-DNA position 4675, G replaced by T.
Molecular consequence: intron variant.
Genome position (GRCh38, 1-based): chrX:32,380,733, C>A on the plus strand (G>T on the coding strand, the complement: DMD is on the minus strand). VCF-style: chrX-32380733-C-A. GRCh37 (hg19) VCF-style: chrX-32398850-C-A.
Other names: c.4651-53G>T (NM_000109.4); c.652-53G>T (NM_004011.4); c.643-53G>T (NM_004012.4); c.4663-53G>T (NM_004009.3); c.4306-53G>T (NM_004010.3).
Identifiers: ClinVar variation 673725 (VCV000673725.2), dbSNP rs72468636, ClinGen allele CA327979304.